The following is an entry in ClinVar:

ClinVar aggregate classification (germline): Uncertain significance (1 of 4 stars; one submission).

Conditions:
HYPERHOMOCYSTEINEMIA, THROMBOTIC, CBS-RELATED. Identifiers: MedGen C3150344, OMIM 236200.

Submission:

Labcorp Genetics (formerly Invitae), Labcorp
Classification: Uncertain significance for HYPERHOMOCYSTEINEMIA, THROMBOTIC, CBS-RELATED. Last evaluated: 2021-09-01. Review status: criteria provided, single submitter. Criteria: Invitae Variant Classification Sherloc (09022015). Collection method: clinical testing. Allele origin: germline.
Comment: This sequence change replaces aspartic acid with asparagine at codon 549 of the CBS protein (p.Asp549Asn). The aspartic acid residue is weakly conserved and there is a small physicochemical difference between aspartic acid and asparagine. This variant is not present in population databases (ExAC no frequency). This variant has not been reported in the literature in individuals affected with CBS-related conditions. Algorithms developed to predict the effect of missense changes on protein structure and function output the following: SIFT: "Tolerated"; PolyPhen-2: "Benign"; Align-GVGD: "Class C0". The asparagine amino acid residue is found in multiple mammalian species, which suggests that this missense change does not adversely affect protein function. In summary, the available evidence is currently insufficient to determine the role of this variant in disease. Therefore, it has been classified as a Variant of Uncertain Significance.

NM_000071.3(CBS):c.1645G>A (p.Asp549Asn)

Gene: CBS (cystathionine beta-synthase; minus strand). Cytogenetic location: 21q22.3.
Variant type: single nucleotide variant.
Coding change: c.1645G>A on transcript NM_000071.3 (MANE Select); coding-DNA position 1645, G replaced by A.
Protein change: p.Asp549Asn; replaces aspartic acid 549 with asparagine.
Molecular consequence: missense variant.
Genome position (GRCh38, 1-based): chr21:43,053,891, C>T on the plus strand (G>A on the coding strand, the complement: CBS is on the minus strand). VCF-style: chr21-43053891-C-T. GRCh37 (hg19) VCF-style: chr21-44474001-C-T.
Other names: c.1645G>A, p.Asp549Asn (NM_001320298.2, NM_001178008.3, NM_001178009.3); c.1330G>A, p.Asp444Asn (NM_001321072.1); short protein forms D444N, D549N.
Identifiers: ClinVar variation 960103 (VCV000960103.9), dbSNP rs1980865900, ClinGen allele CA410394551.